The following is an entry in ClinVar:

NM_001005242.3(PKP2):c.197G>T (p.Arg66Leu)

Gene: PKP2 (plakophilin 2; minus strand). Cytogenetic location: 12p11.21.
Variant type: single nucleotide variant.
Coding change: c.197G>T on transcript NM_001005242.3 (MANE Select); coding-DNA position 197, G replaced by T.
Protein change: p.Arg66Leu; replaces arginine 66 with leucine.
Molecular consequence: missense variant. On other transcripts: 5 prime UTR variant (4).
Genome position (GRCh38, 1-based): chr12:32,896,535, C>A on the plus strand (G>T on the coding strand, the complement: PKP2 is on the minus strand). VCF-style: chr12-32896535-C-A. GRCh37 (hg19) VCF-style: chr12-33049469-C-A.
Other names: c.197G>T, p.Arg66Leu (NM_001407155.1, NM_001407156.1, NM_001407157.1 and 2 more transcripts); c.-630G>T (NM_001407158.1, NM_001407162.1); c.-394G>T (NM_001407159.1, NM_001407160.1); short protein forms R66L.
Identifiers: ClinVar variation 4757115 (VCV004757115.1).

ClinVar aggregate classification (germline): Uncertain significance (1 of 4 stars; one submission).

Conditions:
Cardiomyopathy (CMYO). Also called: Cardiomyopathies. Identifiers: Orphanet 167848, MedGen C0878544, MONDO:0004994, HP:0001638. Inheritance: Various modes of inheritance.

gnomAD v4.1: 2 of 1,558,290 alleles (0.00013%); highest among the groups gnomAD compares: Non-Finnish European, 0.00017%; no homozygotes.

Submission:

Color Diagnostics, LLC DBA Color Health
Classification: Uncertain significance for Cardiomyopathy. Last evaluated: 2025-06-23. Review status: criteria provided, single submitter. Criteria: ACMG Guidelines, 2015. Collection method: clinical testing. Allele origin: germline.
Comment: This missense variant replaces arginine with leucine at codon 66 of the PKP2 protein. Computational prediction is inconclusive regarding the impact of this variant on protein structure and function. To our knowledge, functional studies have not been reported for this variant. This variant has not been reported in individuals affected with PKP2-related disorders in the literature. This variant has not been identified in the general population by the Genome Aggregation Database (gnomAD). The available evidence is insufficient to determine the role of this variant in disease conclusively. Therefore, this variant is classified as a Variant of Uncertain Significance.